The following is an entry in ClinVar:

NM_032578.4(MYPN):c.3326A>G (p.Asn1109Ser)

Gene: MYPN (myopalladin; plus strand). Cytogenetic location: 10q21.3.
Variant type: single nucleotide variant.
Coding change: c.3326A>G on transcript NM_032578.4 (MANE Select); coding-DNA position 3326, A replaced by G.
Protein change: p.Asn1109Ser; replaces asparagine 1109 with serine.
Molecular consequence: missense variant. On other transcripts: non-coding transcript variant (2).
Genome position (GRCh38, 1-based): chr10:68,199,408, A>G. VCF-style: chr10-68199408-A-G. GRCh37 (hg19) VCF-style: chr10-69959165-A-G.
Other names: c.3326A>G, p.Asn1109Ser (NM_001256267.2); c.2444A>G, p.Asn815Ser (NM_001256268.2); short protein forms N1109S, N815S.
Identifiers: ClinVar variation 3402069 (VCV003402069.1).

ClinVar aggregate classification (germline): Uncertain significance (1 of 4 stars; one submission).

Conditions:
Cardiovascular phenotype. Identifiers: MedGen CN230736.

gnomAD v4.1: 3 of 1,614,114 alleles (0.00019%); highest among the groups gnomAD compares: Middle Eastern, 0.017%; no homozygotes.

Submission:

Ambry Genetics
Classification: Uncertain significance for Cardiovascular phenotype. Last evaluated: 2024-10-27. Review status: criteria provided, single submitter. Criteria: Ambry Variant Classification Scheme 2023. Collection method: clinical testing. Allele origin: germline.
Comment: The p.N1109S variant (also known as c.3326A>G), located in coding exon 16 of the MYPN gene, results from an A to G substitution at nucleotide position 3326. The asparagine at codon 1109 is replaced by serine, an amino acid with highly similar properties. This amino acid position is conserved. In addition, the in silico prediction for this alteration is inconclusive. Based on the available evidence, the clinical significance of this variant remains unclear.